The following is an entry in ClinVar:

NM_003661.4(APOL1):c.23G>A (p.Arg8Lys)

Gene: APOL1 (apolipoprotein L1; plus strand). Cytogenetic location: 22q12.3.
Variant type: single nucleotide variant.
Coding change: c.23G>A on transcript NM_003661.4 (MANE Select); coding-DNA position 23, G replaced by A.
Protein change: p.Arg8Lys; replaces arginine 8 with lysine.
Molecular consequence: missense variant.
Genome position (GRCh38, 1-based): chr22:36,254,978, G>A. VCF-style: chr22-36254978-G-A. GRCh37 (hg19) VCF-style: chr22-36651024-G-A.
Other names: c.23G>A, p.Arg8Lys (NM_001136540.2, NM_001136541.2, NM_001362927.2); c.71G>A, p.Arg24Lys (NM_145343.3); short protein forms R24K, R8K.
Identifiers: ClinVar variation 1432755 (VCV001432755.6), dbSNP rs769299217, ClinGen allele CA10208464.

ClinVar aggregate classification (germline): Uncertain significance (1 of 4 stars; one submission).

Allele frequency attached by ClinVar (database versions not stated): gnomAD 0.00106; 1000 Genomes Project 30x 0.00781.

Submission:

Labcorp Genetics (formerly Invitae), Labcorp
Classification: Uncertain significance. Last evaluated: 2022-07-19. Review status: criteria provided, single submitter. Criteria: Invitae Variant Classification Sherloc (09022015). Collection method: clinical testing. Allele origin: germline.
Comment: Algorithms developed to predict the effect of missense changes on protein structure and function are either unavailable or do not agree on the potential impact of this missense change (SIFT: "Deleterious"; PolyPhen-2: "Benign"; Align-GVGD: "Class C0"). This sequence change replaces arginine, which is basic and polar, with lysine, which is basic and polar, at codon 8 of the APOL1 protein (p.Arg8Lys). The frequency data for this variant in the population databases is considered unreliable, as metrics indicate poor data quality at this position in the gnomAD database. This variant has not been reported in the literature in individuals affected with APOL1-related conditions. ClinVar contains an entry for this variant (Variation ID: 1432755). In summary, the available evidence is currently insufficient to determine the role of this variant in disease. Therefore, it has been classified as a Variant of Uncertain Significance.